The following is an entry in ClinVar:

ClinVar aggregate classification (germline): Pathogenic (1 of 4 stars; one submission).

Conditions:
Tuberous sclerosis 1 (TSC1). Identifiers: Orphanet 805, MedGen C1854465, MONDO:0008612, OMIM 191100.

Submission:

Labcorp Genetics (formerly Invitae), Labcorp
Classification: Pathogenic for Tuberous sclerosis 1. Last evaluated: 2020-02-11. Review status: criteria provided, single submitter. Criteria: Invitae Variant Classification Sherloc (09022015). Collection method: clinical testing. Allele origin: germline.
Comment: This variant is not present in population databases (ExAC no frequency). This variant has not been reported in the literature in individuals with TSC1-related conditions. Loss-of-function variants in TSC1 are known to be pathogenic (PMID: 10227394, 17304050). This sequence change creates a premature translational stop signal (p.Asp738Glufs*4) in the TSC1 gene. It is expected to result in an absent or disrupted protein product. For these reasons, this variant has been classified as Pathogenic.

Literature cited by the submitters: PubMed 10227394; PubMed 17304050.

NM_000368.5(TSC1):c.2212_2213dup (p.Asp738fs)

Gene: TSC1 (TSC complex subunit 1; minus strand). Cytogenetic location: 9q34.13.
Variant type: Duplication.
Coding change: c.2212_2213dup on transcript NM_000368.5 (MANE Select); coding-DNA positions 2212 to 2213, 2 bases duplicated (GA; older notation c.2212_2213dupGA).
Protein change: p.Asp738fs; shifts the reading frame from aspartic acid 738.
Molecular consequence: frameshift variant.
Genome position (GRCh38, 1-based): chr9:132,902,783-132,902,784, TC duplicated on the plus strand (GA on the coding strand, the reverse complement: TSC1 is on the minus strand); duplicating any 2 consecutive bases within chr9:132,902,783-132,902,785 gives the same sequence; the c. name uses the placement nearest the transcript's 3' end. VCF-style (leftmost placement, unchanged base first): chr9-132902782-A-ATC. GRCh37 (hg19) VCF-style: chr9-135778169-A-ATC.
Other names: c.2209_2210dup, p.Asp737fs (NM_001162426.2); c.2059_2060dup, p.Asp687fs (NM_001162427.2); c.1849_1850dup, p.Asp617fs (NM_001362177.2); short protein forms D617fs, D687fs, D737fs, D738fs.
Identifiers: ClinVar variation 1076667 (VCV001076667.7), dbSNP rs2131741904, ClinGen allele CA2499219702.